The following is an entry in ClinVar:

ClinVar aggregate classification (germline): Pathogenic (1 of 4 stars; one submission).

Conditions:
Hereditary cancer-predisposing syndrome. Also called: Neoplastic Syndromes, Hereditary; Tumor predisposition; Hereditary Cancer Syndrome; Hereditary neoplastic syndrome. Identifiers: Orphanet 140162, MedGen C0027672, MeSH D009386, MONDO:0015356.

Submission:

Ambry Genetics
Classification: Pathogenic for Hereditary cancer-predisposing syndrome. Last evaluated: 2019-02-28. Review status: criteria provided, single submitter. Criteria: Ambry Variant Classification Scheme 2023. Collection method: clinical testing. Allele origin: germline.
Comment: The c.1245_1246delGT pathogenic mutation, located in coding exon 11 of the PMS2 gene, results from a deletion of two nucleotides at nucleotide positions 1245 to 1246, causing a translational frameshift with a predicted alternate stop codon (p.S416Hfs*41). This alteration is expected to result in loss of function by premature protein truncation or nonsense-mediated mRNA decay. As such, this alteration is interpreted as a disease-causing mutation.

NM_000535.7(PMS2):c.1245_1246del (p.Ser416fs)

Gene: PMS2 (PMS1 homolog 2, mismatch repair system component; minus strand). Cytogenetic location: 7p22.1.
Variant type: Microsatellite.
Coding change: c.1245_1246del on transcript NM_000535.7 (MANE Select); coding-DNA positions 1245 to 1246, 2 bases deleted (GT; older notation c.1245_1246delGT).
Protein change: p.Ser416fs; shifts the reading frame from serine 416.
Molecular consequence: frameshift variant. On other transcripts: non-coding transcript variant (1).
Genome position (GRCh38, 1-based): chr7:5,987,519-5,987,520, AC deleted on the plus strand (GT on the coding strand, the reverse complement: PMS2 is on the minus strand); deleting any 2 consecutive bases within chr7:5,987,519-5,987,522 gives the same sequence; the c. name uses the placement nearest the transcript's 3' end. VCF-style (leftmost placement, unchanged base first): chr7-5987518-GAC-G. GRCh37 (hg19) VCF-style: chr7-6027149-GAC-G.
Other names: c.1243_1244GT[1], p.Ser416Hisfs (NM_000535.5, NM_001406871.1, NM_001406872.1); c.838_839GT[1], p.Ser281Hisfs (NM_001018040.1, NM_001406887.1, NM_001406888.1 and 13 more transcripts); c.840_841del, p.Ser281fs (NM_001322003.2, NM_001322004.2, NM_001322005.2 and 1 more transcripts); c.1089_1090del, p.Ser364fs (NM_001322006.2); c.927_928del, p.Ser310fs (NM_001322007.2, NM_001322008.2); c.684_685del, p.Ser229fs (NM_001322010.2); c.312_313del, p.Ser105fs (NM_001322011.2, NM_001322012.2); c.672_673del, p.Ser225fs (NM_001322013.2); and 20 more; short protein forms S229fs, S313fs, S416fs, S105fs, S281fs, S225fs, S310fs, S364fs.
Identifiers: ClinVar variation 1759171 (VCV001759171.2), dbSNP rs2535827000, ClinGen allele CA2580615851.